The following is an entry in ClinVar:

ClinVar aggregate classification (germline): Likely benign. Review status: criteria provided, multiple submitters, no conflicts (2 of 4 stars). 6 submissions from 6 submitters: Likely benign (5). 1 of the submissions does not count toward it. Last evaluated 2026-09-21.

Conditions:
Cardiovascular phenotype. Identifiers: MedGen CN230736.
ALPK3-related disorder. Also called: ALPK3-related condition.

Allele frequency attached by ClinVar (database versions not stated): TOPMed 0.00004; gnomAD 0.00005 and 0.00004.
gnomAD v4.1: 45 of 1,614,000 alleles (0.0028%); highest among the groups gnomAD compares: Non-Finnish European, 0.0035%; no homozygotes.

Submissions (6):

Molecular Diagnostic Laboratory for Inherited Cardiovascular Disease, Montreal Heart Institute
Classification: Likely benign. Last evaluated: 2026-09-21. Review status: criteria provided, single submitter. Criteria: ACMG Guidelines, 2015. Collection method: clinical testing. Allele origin: germline. Affected: no.
Comment: BP7

Labcorp Genetics (formerly Invitae), Labcorp
Classification: Likely benign. Last evaluated: 2025-12-24. Review status: criteria provided, single submitter. Criteria: Invitae Variant Classification Sherloc (09022015). Collection method: clinical testing. Allele origin: germline.

Blueprint Genetics
Classification: Likely benign. Last evaluated: 2024-10-03. Review status: criteria provided, single submitter. Criteria: ACMG Guidelines, 2015. Collection method: clinical testing. Allele origin: germline.

Women's Health and Genetics/Laboratory Corporation of America, LabCorp
Classification: Likely benign. Last evaluated: 2024-03-17. Review status: criteria provided, single submitter. Criteria: LabCorp Variant Classification Summary - May 2015. Collection method: clinical testing. Allele origin: germline.

Ambry Genetics
Classification: Likely benign for Cardiovascular phenotype. Last evaluated: 2020-03-22. Review status: criteria provided, single submitter. Criteria: Ambry Variant Classification Scheme 2023. Collection method: clinical testing. Allele origin: germline.

PreventionGenetics, part of Exact Sciences
Classification: Likely benign for ALPK3-related condition. Last evaluated: 2020-11-23. Review status: no assertion criteria provided. Collection method: clinical testing. Allele origin: germline. Not counted in ClinVar's aggregate classification.
Comment: This variant is classified as likely benign based on ACMG/AMP sequence variant interpretation guidelines (Richards et al. 2015 PMID: 25741868, with internal and published modifications).

NM_020778.5(ALPK3):c.2251C>T (p.Leu751=)

Gene: ALPK3 (alpha kinase 3; plus strand). Cytogenetic location: 15q25.3.
Variant type: single nucleotide variant.
Coding change: c.2251C>T on transcript NM_020778.5 (MANE Select); coding-DNA position 2251, C replaced by T.
Protein change: p.Leu751=; no amino-acid change (leucine 751 retained).
Molecular consequence: synonymous variant.
Genome position (GRCh38, 1-based): chr15:84,856,989, C>T. VCF-style: chr15-84856989-C-T. GRCh37 (hg19) VCF-style: chr15-85400220-C-T.
Identifiers: ClinVar variation 1602769 (VCV001602769.15), dbSNP rs746323615, ClinGen allele CA7709375.